The following is an entry in ClinVar:

NM_007373.4(SHOC2):c.32C>T (p.Ser11Phe)

Gene: SHOC2 (SHOC2 leucine rich repeat scaffold protein; plus strand). Cytogenetic location: 10q25.2.
Variant type: single nucleotide variant.
Coding change: c.32C>T on transcript NM_007373.4 (MANE Select); coding-DNA position 32, C replaced by T.
Protein change: p.Ser11Phe; replaces serine 11 with phenylalanine.
Molecular consequence: missense variant.
Genome position (GRCh38, 1-based): chr10:110,964,390, C>T. VCF-style: chr10-110964390-C-T. GRCh37 (hg19) VCF-style: chr10-112724148-C-T.
Other names: c.32C>T, p.Ser11Phe (NM_001269039.3, NM_001324336.2, NM_001324337.2); short protein forms S11F.
Identifiers: ClinVar variation 3613865 (VCV003613865.2).

ClinVar aggregate classification (germline): Uncertain significance (1 of 4 stars; one submission).

Conditions:
RASopathy. Also called: rasopathies; Noonan spectrum disorder. Identifiers: Orphanet 536391, MedGen C5555857, MONDO:0021060.

gnomAD v4.1: 3 of 1,612,874 alleles (0.00019%); highest among the groups gnomAD compares: African/African-American, 0.004%; no homozygotes.

Submission:

Labcorp Genetics (formerly Invitae), Labcorp
Classification: Uncertain significance for RASopathy. Last evaluated: 2024-10-16. Review status: criteria provided, single submitter. Criteria: Invitae Variant Classification Sherloc (09022015). Collection method: clinical testing. Allele origin: germline.
Comment: This sequence change replaces serine, which is neutral and polar, with phenylalanine, which is neutral and non-polar, at codon 11 of the SHOC2 protein (p.Ser11Phe). This variant is present in population databases (no rsID available, gnomAD 0.02%). This variant has not been reported in the literature in individuals affected with SHOC2-related conditions. An algorithm developed to predict the effect of missense changes on protein structure and function (PolyPhen-2) suggests that this variant is likely to be tolerated. In summary, the available evidence is currently insufficient to determine the role of this variant in disease. Therefore, it has been classified as a Variant of Uncertain Significance.